The following is an entry in ClinVar:

ClinVar aggregate classification (germline): Uncertain significance. Review status: criteria provided, multiple submitters, no conflicts (2 of 4 stars). 4 submissions from 4 submitters: Uncertain significance (4). Last evaluated 2024-11-22.

Conditions:
Colorectal cancer. Also called: Colorectal cancer, somatic; Malignant Colorectal Neoplasm. Identifiers: MedGen C0346629, MONDO:0005575, OMIM 114500.

Allele frequency attached by ClinVar (database versions not stated): TOPMed 0.00006; gnomAD 0.00007; gnomAD exomes 0.00007; ExAC 0.00010.
gnomAD v4.1: 114 of 1,613,970 alleles (0.0071%); highest among the groups gnomAD compares: Non-Finnish European, 0.0091%; no homozygotes.

Submissions (4):

Labcorp Genetics (formerly Invitae), Labcorp
Classification: Uncertain significance. Last evaluated: 2024-11-22. Review status: criteria provided, single submitter. Criteria: Invitae Variant Classification Sherloc (09022015). Collection method: clinical testing. Allele origin: germline.
Comment: This sequence change replaces methionine, which is neutral and non-polar, with valine, which is neutral and non-polar, at codon 78 of the DLC1 protein (p.Met78Val). This variant is present in population databases (rs774250564, gnomAD 0.02%). This variant has not been reported in the literature in individuals affected with DLC1-related conditions. ClinVar contains an entry for this variant (Variation ID: 2054165). An algorithm developed to predict the effect of missense changes on protein structure and function (PolyPhen-2) suggests that this variant is likely to be tolerated. In summary, the available evidence is currently insufficient to determine the role of this variant in disease. Therefore, it has been classified as a Variant of Uncertain Significance.

Blueprint Genetics
Classification: Uncertain significance. Last evaluated: 2024-07-08. Review status: criteria provided, single submitter. Criteria: ACMG Guidelines, 2015. Collection method: clinical testing. Allele origin: germline.

Fulgent Genetics
Classification: Uncertain significance for Colorectal cancer. Last evaluated: 2024-04-29. Review status: criteria provided, single submitter. Criteria: ACMG Guidelines, 2015. Collection method: clinical testing. Allele origin: germline.

Ambry Genetics
Classification: Uncertain significance. Last evaluated: 2024-03-16. Review status: criteria provided, single submitter. Criteria: Ambry Variant Classification Scheme 2023. Collection method: clinical testing. Allele origin: germline.

NM_182643.3(DLC1):c.232A>G (p.Met78Val)

Gene: DLC1 (DLC1 Rho GTPase activating protein; minus strand). Cytogenetic location: 8p22.
Variant type: single nucleotide variant.
Coding change: c.232A>G on transcript NM_182643.3 (MANE Select); coding-DNA position 232, A replaced by G.
Protein change: p.Met78Val; replaces methionine 78 with valine.
Molecular consequence: missense variant. On other transcripts: 5 prime UTR variant (1).
Genome position (GRCh38, 1-based): chr8:13,499,840, T>C on the plus strand (A>G on the coding strand, the complement: DLC1 is on the minus strand). VCF-style: chr8-13499840-T-C. GRCh37 (hg19) VCF-style: chr8-13357349-T-C.
Other names: c.232A>G (NM_182643.2); c.232A>G, p.Met78Val (NM_001348081.2, NM_001413124.1, NM_001413125.1 and 1 more transcripts); c.-1220A>G (NM_001348082.2); short protein forms M78V.
Identifiers: ClinVar variation 2054165 (VCV002054165.7), dbSNP rs774250564, ClinGen allele CA4639550.